The following is an entry in ClinVar:

NM_001001331.4(ATP2B2):c.1298C>T (p.Thr433Met)

Gene: ATP2B2 (ATPase plasma membrane Ca2+ transporting 2; minus strand). Cytogenetic location: 3p25.3.
Variant type: single nucleotide variant.
Coding change: c.1298C>T on transcript NM_001001331.4 (MANE Select); coding-DNA position 1298, C replaced by T.
Protein change: p.Thr433Met; replaces threonine 433 with methionine.
Molecular consequence: missense variant.
Genome position (GRCh38, 1-based): chr3:10,375,548, G>A on the plus strand (C>T on the coding strand, the complement: ATP2B2 is on the minus strand). VCF-style: chr3-10375548-G-A. GRCh37 (hg19) VCF-style: chr3-10417232-G-A.
Other names: c.1163C>T, p.Thr388Met (NM_001330611.3, NM_001353564.1, NM_001363862.1 and 2 more transcripts); c.1205C>T, p.Thr402Met (NM_001438646.1); short protein forms T402M, T433M, T388M.
Identifiers: ClinVar variation 4706175 (VCV004706175.2).

ClinVar aggregate classification (germline): Uncertain significance. Review status: criteria provided, multiple submitters, no conflicts (2 of 4 stars). 2 submissions from 2 submitters: Uncertain significance (2). Last evaluated 2026-05-05.

gnomAD v4.1: 39 of 1,613,594 alleles (0.0024%); highest among the groups gnomAD compares: African/African-American, 0.008%; no homozygotes.

Submissions (2):

Women's Health and Genetics/Laboratory Corporation of America, LabCorp
Classification: Uncertain significance. Last evaluated: 2026-05-05. Review status: criteria provided, single submitter. Criteria: LabCorp Variant Classification Summary - May 2015. Collection method: clinical testing. Allele origin: germline.
Comment: Variant summary: ATP2B2 c.1298C>T (p.Thr433Met) results in a non-conservative amino acid change in the encoded protein sequence. Algorithms developed to predict the effect of missense changes on protein structure and function all suggest that this variant is likely to be disruptive. The variant allele was found at a frequency of 1.6e-05 in 251026 control chromosomes. The available data on variant occurrences in the general population are insufficient to allow any conclusion about variant significance. To our knowledge, no occurrence of c.1298C>T in individuals affected with ATP2B2-related conditions and no experimental evidence demonstrating its impact on protein function have been reported. ClinVar contains an entry for this variant (Variation ID: 4706175). Based on the evidence outlined above, the variant was classified as uncertain significance.

Labcorp Genetics (formerly Invitae), Labcorp
Classification: Uncertain significance. Last evaluated: 2026-01-19. Review status: criteria provided, single submitter. Criteria: Invitae Variant Classification Sherloc (09022015). Collection method: clinical testing. Allele origin: germline.
Comment: This sequence change replaces threonine, which is neutral and polar, with methionine, which is neutral and non-polar, at codon 388 of the ATP2B2 protein (p.Thr388Met). This variant is present in population databases (rs770734675, gnomAD 0.005%). This variant has not been reported in the literature in individuals affected with ATP2B2-related conditions. Invitae Evidence Modeling of protein sequence and biophysical properties (such as structural, functional, and spatial information, amino acid conservation, physicochemical variation, residue mobility, and thermodynamic stability) indicates that this missense variant is not expected to disrupt ATP2B2 protein function with a negative predictive value of 80%. In summary, the available evidence is currently insufficient to determine the role of this variant in disease. Therefore, it has been classified as a Variant of Uncertain Significance.